The following is an entry in ClinVar:

ClinVar aggregate classification (germline): Uncertain significance (1 of 4 stars; one submission).

Conditions:
Inborn genetic diseases. Identifiers: MedGen C0950123, MeSH D030342.

Submission:

Ambry Genetics
Classification: Uncertain significance for Inborn genetic diseases. Last evaluated: 2025-11-26. Review status: criteria provided, single submitter. Criteria: Ambry Variant Classification Scheme 2023. Collection method: clinical testing. Allele origin: germline.
Comment: The p.C1478W variant (also known as c.4434T>G), located in coding exon 17 of the FANCM gene, results from a T to G substitution at nucleotide position 4434. The cysteine at codon 1478 is replaced by tryptophan, an amino acid with highly dissimilar properties. This amino acid position is conserved. In addition, this alteration is predicted to be tolerated by in silico analysis. Based on the available evidence, the clinical significance of this variant remains unclear.

NM_020937.4(FANCM):c.4434T>G (p.Cys1478Trp)

Gene: FANCM (FA complementation group M; plus strand). Cytogenetic location: 14q21.2.
Variant type: single nucleotide variant.
Coding change: c.4434T>G on transcript NM_020937.4 (MANE Select); coding-DNA position 4434, T replaced by G.
Protein change: p.Cys1478Trp; replaces cysteine 1478 with tryptophan.
Molecular consequence: missense variant.
Genome position (GRCh38, 1-based): chr14:45,183,821, T>G. VCF-style: chr14-45183821-T-G. GRCh37 (hg19) VCF-style: chr14-45653024-T-G.
Other names: c.4356T>G, p.Cys1452Trp (NM_001308133.2); short protein forms C1478W, C1452W.
Identifiers: ClinVar variation 4619612 (VCV004619612.1).